The following is an entry in ClinVar:

NM_006231.4(POLE):c.3868A>G (p.Arg1290Gly)

Gene: POLE (DNA polymerase epsilon, catalytic subunit; minus strand). Cytogenetic location: 12q24.33.
Variant type: single nucleotide variant.
Coding change: c.3868A>G on transcript NM_006231.4 (MANE Select); coding-DNA position 3868, A replaced by G.
Protein change: p.Arg1290Gly; replaces arginine 1290 with glycine.
Molecular consequence: missense variant.
Genome position (GRCh38, 1-based): chr12:132,649,443, T>C on the plus strand (A>G on the coding strand, the complement: POLE is on the minus strand). VCF-style: chr12-132649443-T-C. GRCh37 (hg19) VCF-style: chr12-133226029-T-C.
Other names: short protein forms R1290G.
Identifiers: ClinVar variation 855399 (VCV000855399.7), dbSNP rs1413112468, ClinGen allele CA387385344.
Genomic context (GRCh38, chr12:132,649,443, plus strand): 5'-CATCCCGGATGGCCCCGGGCCTGAGCACACCCTCTGCCGACTCCAGACGCTGCCTCTTCC[T>C]GCGGGCGAGGCGCTGCCGGGCCTGCAGCTGCCACTTCTTCTTGTGGAACCGGAGCCAGAC-3'
Protein context (NP_006222.2, residues 1280-1300): QLQARQRLAR[Arg1290Gly]KRQRLESAEG

ClinVar aggregate classification (germline): Uncertain significance (1 of 4 stars; one submission).

Allele frequency attached by ClinVar (database versions not stated): gnomAD 0.00001.

Submission:

Labcorp Genetics (formerly Invitae), Labcorp
Classification: Uncertain significance. Last evaluated: 2025-09-21. Review status: criteria provided, single submitter. Criteria: Invitae Variant Classification Sherloc (09022015). Collection method: clinical testing. Allele origin: germline.
Comment: This sequence change replaces arginine, which is basic and polar, with glycine, which is neutral and non-polar, at codon 1290 of the POLE protein (p.Arg1290Gly). This variant is not present in population databases (gnomAD no frequency). This variant has not been reported in the literature in individuals affected with POLE-related conditions. ClinVar contains an entry for this variant (Variation ID: 855399). Invitae Evidence Modeling of protein sequence and biophysical properties (such as structural, functional, and spatial information, amino acid conservation, physicochemical variation, residue mobility, and thermodynamic stability) indicates that this missense variant is not expected to disrupt POLE protein function with a negative predictive value of 80%. In summary, the available evidence is currently insufficient to determine the role of this variant in disease. Therefore, it has been classified as a Variant of Uncertain Significance.